The following is an entry in ClinVar:

NM_000059.4(BRCA2):c.8147del (p.Val2716fs)

Gene: BRCA2 (BRCA2 DNA repair associated; plus strand). Cytogenetic location: 13q13.1.
Variant type: Deletion.
Coding change: c.8147del on transcript NM_000059.4 (MANE Select); coding-DNA position 8147, one base deleted (T; older notation c.8147delT).
Protein change: p.Val2716fs; shifts the reading frame from valine 2716.
Molecular consequence: frameshift variant.
Genome position (GRCh38, 1-based): chr13:32,363,349, T deleted. VCF-style (leftmost placement, unchanged base first): chr13-32363348-GT-G. GRCh37 (hg19) VCF-style: chr13-32937485-GT-G.
Other names: c.8147delT (NM_000059.3); short protein forms V2716fs.
Identifiers: ClinVar variation 579170 (VCV000579170.1), dbSNP rs1566245525, ClinGen allele CA891843894.
Genomic context (GRCh38, chr13:32,363,348, plus strand): 5'-TTGAGCGCAAATATATCTGAAACTTCTAGCAATAAAACTAGTAGTGCAGATACCCAAAAA[GT>G]GGCCATTATTGAACTTACAGATGGGTGGTATGCTGTTAAGGCCCAGTTAGATCCTCCCCT-3'

ClinVar aggregate classification (germline): Pathogenic (1 of 4 stars; one submission).

Conditions:
Hereditary breast ovarian cancer syndrome. Also called: Hereditary breast and ovarian cancer syndrome; Hereditary breast and ovarian cancer syndrome (HBOC); BRCA1- and BRCA2-Associated Hereditary Breast and Ovarian Cancer; Hereditary breast and/or ovarian cancer syndrome; Hereditary breast and ovarian cancer; Breast and ovarian cancer. Identifiers: Orphanet 145, MedGen C0677776, MeSH D061325, MONDO:0003582. Disease mechanism: loss of function.

Submission:

Labcorp Genetics (formerly Invitae), Labcorp
Classification: Pathogenic for Hereditary breast and ovarian cancer syndrome. Last evaluated: 2018-06-12. Review status: criteria provided, single submitter. Criteria: Invitae Variant Classification Sherloc (09022015). Collection method: clinical testing. Allele origin: germline.
Comment: This sequence change creates a premature translational stop signal (p.Val2716Glyfs*17) in the BRCA2 gene. It is expected to result in an absent or disrupted protein product. This variant is not present in population databases (ExAC no frequency). This variant has not been reported in the literature in individuals with BRCA2-related disease. Loss-of-function variants in BRCA2 are known to be pathogenic (PMID: 20104584). For these reasons, this variant has been classified as Pathogenic.